The following is an entry in ClinVar:

ClinVar aggregate classification (germline): Uncertain significance (1 of 4 stars; one submission).

Submission:

Labcorp Genetics (formerly Invitae), Labcorp
Classification: Uncertain significance. Last evaluated: 2022-08-21. Review status: criteria provided, single submitter. Criteria: Invitae Variant Classification Sherloc (09022015). Collection method: clinical testing. Allele origin: germline.
Comment: This variant has not been reported in the literature in individuals affected with TAB2-related conditions. In summary, the available evidence is currently insufficient to determine the role of this variant in disease. Therefore, it has been classified as a Variant of Uncertain Significance. Algorithms developed to predict the effect of missense changes on protein structure and function (SIFT, PolyPhen-2, Align-GVGD) all suggest that this variant is likely to be disruptive. This variant is not present in population databases (gnomAD no frequency). This sequence change replaces glycine, which is neutral and non-polar, with arginine, which is basic and polar, at codon 4 of the TAB2 protein (p.Gly4Arg).

NM_001292034.3(TAB2):c.10G>A (p.Gly4Arg)

Gene: TAB2 (TGF-beta activated kinase 1 (MAP3K7) binding protein 2; plus strand). Cytogenetic location: 6q25.1.
Variant type: single nucleotide variant.
Coding change: c.10G>A on transcript NM_001292034.3 (MANE Select); coding-DNA position 10, G replaced by A.
Protein change: p.Gly4Arg; replaces glycine 4 with arginine.
Molecular consequence: missense variant. On other transcripts: intron variant (1).
Genome position (GRCh38, 1-based): chr6:149,370,007, G>A. VCF-style: chr6-149370007-G-A. GRCh37 (hg19) VCF-style: chr6-149691143-G-A.
Other names: c.10G>A, p.Gly4Arg (NM_001369506.1, NM_015093.6); c.7-8011G>A (NM_001292035.3); short protein forms G4R.
Identifiers: ClinVar variation 2025560 (VCV002025560.4), dbSNP rs2483347945, ClinGen allele CA366002380.